The following is an entry in ClinVar:

NM_006206.6(PDGFRA):c.*1939T>C

Gene: PDGFRA (platelet derived growth factor receptor alpha; plus strand). Cytogenetic location: 4q12.
Variant type: single nucleotide variant.
Coding change: c.*1939T>C on transcript NM_006206.6 (MANE Select); 1939 bases downstream of the stop codon, T replaced by C.
Molecular consequence: 3 prime UTR variant.
Genome position (GRCh38, 1-based): chr4:54,297,211, T>C. VCF-style: chr4-54297211-T-C. GRCh37 (hg19) VCF-style: chr4-55163378-T-C.
Other names: c.*1939T>C (NM_001347828.2, NM_001347829.2, NM_001347830.2).
Identifiers: ClinVar variation 348937 (VCV000348937.5), dbSNP rs368579295, ClinGen allele CA10618824.

ClinVar aggregate classification (germline): Benign. Review status: criteria provided, single submitter (1 of 4 stars). 2 submissions from 1 submitter: Benign (2). Last evaluated 2018-01-13.

Conditions:
Gastrointestinal stromal tumor. Also called: Gastrointestinal stromal tumor, somatic; Gastrointestinal stroma tumor. Identifiers: Orphanet 44890, MedGen C0238198, MeSH D046152, MONDO:0011719, OMIM 606764, HP:0100723.
Idiopathic hypereosinophilic syndrome (HES). Identifiers: Orphanet 3260, MedGen C0206141, MONDO:0011895, OMIM 607685. Disease mechanism: gain of function.

Allele frequency attached by ClinVar (database versions not stated): gnomAD 0.00004; TOPMed 0.00006; gnomAD exomes 0.00024; 1000 Genomes Project 0.00639; 1000 Genomes Project 30x 0.00671.
gnomAD v4.1: 182 of 233,684 alleles (0.078%); highest among the groups gnomAD compares: South Asian, 3%; 4 homozygotes.

Submissions (2):

Illumina Laboratory Services, Illumina
Classification: Benign for Gastrointestinal stromal tumor. Last evaluated: 2018-01-13. Review status: criteria provided, single submitter. Criteria: ICSL Variant Classification Criteria 13 December 2019. Collection method: clinical testing. Allele origin: germline.
Comment: This variant was observed in the ICSL laboratory as part of a predisposition screen in an ostensibly healthy population. It had not been previously curated by ICSL or reported in the Human Gene Mutation Database (HGMD: prior to June 1st, 2018), and was therefore a candidate for classification through an automated scoring system. Utilizing variant allele frequency, disease prevalence and penetrance estimates, and inheritance mode, an automated score was calculated to assess if this variant is too frequent to cause the disease. Based on the score and internal cut-off values, a variant classified as benign is not then subjected to further curation. The score for this variant resulted in a classification of benign for this disease.

Illumina Laboratory Services, Illumina
Classification: Benign for Idiopathic hypereosinophilic syndrome. Last evaluated: 2018-01-13. Review status: criteria provided, single submitter. Criteria: ICSL Variant Classification Criteria 13 December 2019. Collection method: clinical testing. Allele origin: germline.
Comment: the same text as in the submission from Illumina Laboratory Services, Illumina above.